The following is an entry in ClinVar:

NM_003482.4(KMT2D):c.6445T>C (p.Ser2149Pro)

Gene: KMT2D (lysine methyltransferase 2D; minus strand). Cytogenetic location: 12q13.12.
Variant type: single nucleotide variant.
Coding change: c.6445T>C on transcript NM_003482.4 (MANE Select); coding-DNA position 6445, T replaced by C.
Protein change: p.Ser2149Pro; replaces serine 2149 with proline.
Molecular consequence: missense variant.
Genome position (GRCh38, 1-based): chr12:49,041,325, A>G on the plus strand (T>C on the coding strand, the complement: KMT2D is on the minus strand). VCF-style: chr12-49041325-A-G. GRCh37 (hg19) VCF-style: chr12-49435108-A-G.
Other names: short protein forms S2149P.
Identifiers: ClinVar variation 134699 (VCV000134699.8), dbSNP rs587778468, ClinGen allele CA160565.

ClinVar aggregate classification (germline): Likely benign. Review status: criteria provided, single submitter (1 of 4 stars). 2 submissions from 2 submitters: Likely benign (1). 1 of the submissions does not count toward it. Last evaluated 2021-09-15.

Conditions:
Kabuki syndrome. Also called: NIIKAWA-KUROKI SYNDROME; Kabuki make-up syndrome. Identifiers: Orphanet 2322, MedGen C0796004, MONDO:0016512.

Allele frequency attached by ClinVar (database versions not stated): gnomAD below 0.00001 and 0.00002; TOPMed below 0.00001; gnomAD exomes 0.00002 and 0.00005; ExAC 0.00004.
gnomAD v4.1: 36 of 1,539,474 alleles (0.0023%); highest among the groups gnomAD compares: South Asian, 0.044%; no homozygotes.

Submissions (2):

Labcorp Genetics (formerly Invitae), Labcorp
Classification: Likely benign for Kabuki syndrome. Last evaluated: 2021-09-15. Review status: criteria provided, single submitter. Criteria: Invitae Variant Classification Sherloc (09022015). Collection method: clinical testing. Allele origin: germline.

ITMI
No classification provided. Condition: AllHighlyPenetrant. Last evaluated: 2013-09-19. Review status: no classification provided. Collection method: reference population. Allele origin: germline. Not counted in ClinVar's aggregate classification.
Comment: Please see associated publication for description of ethnicities

Literature cited by the submitters: PubMed 24728327 (cited by ITMI).